The following is an entry in ClinVar:

ClinVar aggregate classification (germline): Likely benign (1 of 4 stars; one submission).

Conditions:
TUBB4A-related disorder. Also called: TUBB4A-related condition.

Submission:

PreventionGenetics, part of Exact Sciences
Classification: Likely benign for TUBB4A-related condition. Last evaluated: 2025-01-23. Review status: criteria provided, single submitter. Criteria: ACMG Guidelines, 2015. Collection method: clinical testing. Allele origin: germline.
Comment: This variant is classified as likely benign based on ACMG/AMP sequence variant interpretation guidelines (Richards et al. 2015 PMID: 25741868, with internal and published modifications).

NM_006087.4(TUBB4A):c.522A>G (p.Lys174=)

Gene: TUBB4A (tubulin beta 4A class IVa; minus strand). Cytogenetic location: 19p13.3.
Variant type: single nucleotide variant.
Coding change: c.522A>G on transcript NM_006087.4 (MANE Select); coding-DNA position 522, A replaced by G.
Protein change: p.Lys174=; no amino-acid change (lysine 174 retained).
Molecular consequence: synonymous variant.
Genome position (GRCh38, 1-based): chr19:6,495,977, T>C on the plus strand (A>G on the coding strand, the complement: TUBB4A is on the minus strand). VCF-style: chr19-6495977-T-C. GRCh37 (hg19) VCF-style: chr19-6495988-T-C.
Other names: c.675A>G, p.Lys225= (NM_001289123.2); c.657A>G, p.Lys219= (NM_001289127.2); c.522A>G, p.Lys174= (NM_001289129.2); c.306A>G, p.Lys102= (NM_001289130.2, NM_001289131.2).
Identifiers: ClinVar variation 4989969 (VCV004989969.1).
Genomic context (GRCh38, chr19:6,495,977, plus strand): 5'-CTCCACCAGCTGGTGCACAGACAGCGTGGCGTTGTAGGGCTCCACCACCGTGTCTGACAC[T>C]TTGGGCGAGGGCACCACGCTGAAGGTGTTCATGATGCGGTCTGGGAACTCCTCGCGGATC-3'
Protein context (NP_006078.2, residues 164-184): MNTFSVVPSP[Lys174=]VSDTVVEPYN